The following is an entry in ClinVar:

ClinVar aggregate classification (germline): Uncertain significance (1 of 4 stars; one submission).

Submission:

Labcorp Genetics (formerly Invitae), Labcorp
Classification: Uncertain significance. Last evaluated: 2025-02-26. Review status: criteria provided, single submitter. Criteria: Invitae Variant Classification Sherloc (09022015). Collection method: clinical testing. Allele origin: germline.
Comment: This sequence change replaces methionine, which is neutral and non-polar, with valine, which is neutral and non-polar, at codon 340 of the DIP2C protein (p.Met340Val). This variant is present in population databases (no rsID available, gnomAD 0.006%). This variant has not been reported in the literature in individuals affected with DIP2C-related conditions. An algorithm developed to predict the effect of missense changes on protein structure and function (PolyPhen-2) suggests that this variant is likely to be tolerated. In summary, the available evidence is currently insufficient to determine the role of this variant in disease. Therefore, it has been classified as a Variant of Uncertain Significance.

NM_014974.3(DIP2C):c.1018A>G (p.Met340Val)

Gene: DIP2C (DIP2 acetate--CoA ligase C (putative); minus strand). Cytogenetic location: 10p15.3.
Variant type: single nucleotide variant.
Coding change: c.1018A>G on transcript NM_014974.3 (MANE Select); coding-DNA position 1018, A replaced by G.
Protein change: p.Met340Val; replaces methionine 340 with valine.
Molecular consequence: missense variant.
Genome position (GRCh38, 1-based): chr10:413,952, T>C on the plus strand (A>G on the coding strand, the complement: DIP2C is on the minus strand). VCF-style: chr10-413952-T-C. GRCh37 (hg19) VCF-style: chr10-459892-T-C.
Other names: short protein forms M340V.
Identifiers: ClinVar variation 4769008 (VCV004769008.1).